The following is an entry in ClinVar:

ClinVar aggregate classification (germline): Likely benign (1 of 4 stars; one submission).

gnomAD v4.1: 3,842 of 1,550,042 alleles (0.25%); highest among the groups gnomAD compares: Non-Finnish European, 0.25%; 243 homozygotes.

Submission:

CeGaT Center for Human Genetics Tuebingen
Classification: Likely benign. Last evaluated: 2026-08-01. Review status: criteria provided, single submitter. Criteria: CeGaT Center For Human Genetics Tuebingen Variant Classification Criteria Version 2. Collection method: clinical testing. Allele origin: germline. Affected: yes. Observed: 10 variant alleles.
Comment: MUC5B: BP4, BS2

NM_002458.3(MUC5B):c.11332G>A (p.Ala3778Thr)

Genes: MUC5B (mucin 5B, oligomeric mucus/gel-forming; plus strand), MUC5B-AS1 (MUC5B antisense RNA 1; minus strand). Cytogenetic location: 11p15.5.
Variant type: single nucleotide variant.
Coding change: c.11332G>A on transcript NM_002458.3 (MANE Select); coding-DNA position 11332, G replaced by A.
Protein change: p.Ala3778Thr; replaces alanine 3778 with threonine.
Molecular consequence: missense variant.
Genome position (GRCh38, 1-based): chr11:1,248,212, G>A. VCF-style: chr11-1248212-G-A. GRCh37 (hg19) VCF-style: chr11-1269442-G-A.
Other names: short protein forms A3778T.
Identifiers: ClinVar variation 3388009 (VCV003388009.14).